The following is an entry in ClinVar:

NM_053025.4(MYLK):c.404T>A (p.Val135Asp)

Gene: MYLK (myosin light chain kinase; minus strand). Cytogenetic location: 3q21.1.
Variant type: single nucleotide variant.
Coding change: c.404T>A on transcript NM_053025.4 (MANE Select); coding-DNA position 404, T replaced by A.
Protein change: p.Val135Asp; replaces valine 135 with aspartic acid.
Molecular consequence: missense variant. On other transcripts: 5 prime UTR variant (1).
Genome position (GRCh38, 1-based): chr3:123,739,971, A>T on the plus strand (T>A on the coding strand, the complement: MYLK is on the minus strand). VCF-style: chr3-123739971-A-T. GRCh37 (hg19) VCF-style: chr3-123458818-A-T.
Other names: c.-125T>A (NM_001321309.2); c.404T>A, p.Val135Asp (NM_053026.4, NM_053027.4, NM_053028.4); short protein forms V135D.
Identifiers: ClinVar variation 1506743 (VCV001506743.6), dbSNP rs2108820532, ClinGen allele CA354242125.

ClinVar aggregate classification (germline): Uncertain significance (1 of 4 stars; one submission).

Conditions:
Aortic aneurysm, familial thoracic 7 (AAT7). Also called: AORTIC DISSECTION, FAMILIAL, WITH OR WITHOUT AORTIC ANEURYSM. Identifiers: MedGen C3151077, MONDO:0013418, OMIM 613780.

Submission:

Labcorp Genetics (formerly Invitae), Labcorp
Classification: Uncertain significance for Aortic aneurysm, familial thoracic 7. Last evaluated: 2021-08-31. Review status: criteria provided, single submitter. Criteria: Invitae Variant Classification Sherloc (09022015). Collection method: clinical testing. Allele origin: germline.
Comment: This sequence change replaces valine with aspartic acid at codon 135 of the MYLK protein (p.Val135Asp). The valine residue is highly conserved and there is a large physicochemical difference between valine and aspartic acid. This variant is not present in population databases (ExAC no frequency). This variant has not been reported in the literature in individuals affected with MYLK-related conditions. Advanced modeling of protein sequence and biophysical properties (such as structural, functional, and spatial information, amino acid conservation, physicochemical variation, residue mobility, and thermodynamic stability) performed at Invitae indicates that this missense variant is not expected to disrupt MYLK protein function. In summary, the available evidence is currently insufficient to determine the role of this variant in disease. Therefore, it has been classified as a Variant of Uncertain Significance.